The following is an entry in ClinVar:

ClinVar aggregate classification (germline): Uncertain significance (1 of 4 stars; one submission).

Conditions:
Congenital myasthenic syndrome 13 (CMS13). Also called: Myasthenic syndrome, congenital, 13, with tubular aggregates; Myasthenic syndrome, congenital, with tubular aggregates 2. Identifiers: Orphanet 353327, Orphanet 590, MedGen C3553645, MONDO:0013883, OMIM 614750.
DPAGT1-congenital disorder of glycosylation. Also called: CDG Ij; DPAGT1-CDG; CONGENITAL DISORDER OF GLYCOSYLATION, TYPE Ij. Identifiers: Orphanet 86309, MedGen C2931004, MONDO:0011964, OMIM 608093.

Allele frequency attached by ClinVar (database versions not stated): ExAC 0.00001.
gnomAD v4.1: 3 of 1,613,854 alleles (0.00019%); highest among the groups gnomAD compares: Non-Finnish European, 0.00025%; no homozygotes.

Submission:

Labcorp Genetics (formerly Invitae), Labcorp
Classification: Uncertain significance for Congenital myasthenic syndrome 13; DPAGT1-congenital disorder of glycosylation. Last evaluated: 2022-02-08. Review status: criteria provided, single submitter. Criteria: Invitae Variant Classification Sherloc (09022015). Collection method: clinical testing. Allele origin: germline.
Comment: This sequence change replaces arginine, which is basic and polar, with leucine, which is neutral and non-polar, at codon 303 of the DPAGT1 protein (p.Arg303Leu). This variant is present in population databases (rs771322037, gnomAD 0.002%). This variant has not been reported in the literature in individuals affected with DPAGT1-related conditions. Algorithms developed to predict the effect of missense changes on protein structure and function (SIFT, PolyPhen-2, Align-GVGD) all suggest that this variant is likely to be disruptive. In summary, the available evidence is currently insufficient to determine the role of this variant in disease. Therefore, it has been classified as a Variant of Uncertain Significance.

NM_001382.4(DPAGT1):c.908G>T (p.Arg303Leu)

Gene: DPAGT1 (dolichyl-phosphate N-acetylglucosaminephosphotransferase 1; minus strand). Cytogenetic location: 11q23.3.
Variant type: single nucleotide variant.
Coding change: c.908G>T on transcript NM_001382.4 (MANE Select); coding-DNA position 908, G replaced by T.
Protein change: p.Arg303Leu; replaces arginine 303 with leucine.
Molecular consequence: missense variant.
Genome position (GRCh38, 1-based): chr11:119,097,864, C>A on the plus strand (G>T on the coding strand, the complement: DPAGT1 is on the minus strand). VCF-style: chr11-119097864-C-A. GRCh37 (hg19) VCF-style: chr11-118968574-C-A.
Other names: short protein forms R303L.
Identifiers: ClinVar variation 2169018 (VCV002169018.1), dbSNP rs771322037, ClinGen allele CA6314511.